The following is an entry in ClinVar:

ClinVar aggregate classification (germline): Benign/Likely benign. Review status: criteria provided, multiple submitters, no conflicts (2 of 4 stars). 4 submissions from 4 submitters: Benign (2); Likely benign (2). Last evaluated 2026-09-01.

Allele frequency attached by ClinVar (database versions not stated): 1000 Genomes Project 30x 0.00094; 1000 Genomes Project 0.00120; gnomAD 0.00183 and 0.00208; TOPMed 0.00210; gnomAD exomes 0.00218 and 0.00310; ExAC 0.00229; ESP Exome Variant Server 0.00267.

Submissions (4):

CeGaT Center for Human Genetics Tuebingen
Classification: Likely benign. Last evaluated: 2026-09-01. Review status: criteria provided, single submitter. Criteria: CeGaT Center For Human Genetics Tuebingen Variant Classification Criteria Version 2. Collection method: clinical testing. Allele origin: germline. Affected: yes. Observed: 5 variant alleles.
Comment: KIAA0753: BP4, BP7, BS2

Labcorp Genetics (formerly Invitae), Labcorp
Classification: Benign. Last evaluated: 2026-01-27. Review status: criteria provided, single submitter. Criteria: Invitae Variant Classification Sherloc (09022015). Collection method: clinical testing. Allele origin: germline.

Blueprint Genetics
Classification: Likely benign. Last evaluated: 2024-11-27. Review status: criteria provided, single submitter. Criteria: ACMG Guidelines, 2015. Collection method: clinical testing. Allele origin: germline.

Breakthrough Genomics
Classification: Benign. Review status: criteria provided, single submitter. Criteria: ACMG Guidelines, 2015. Collection method: not provided. Allele origin: germline. Inheritance: Autosomal recessive inheritance. Affected: yes.

NM_014804.3(KIAA0753):c.1443C>T (p.Asp481=)

Gene: KIAA0753 (KIAA0753; minus strand). Cytogenetic location: 17p13.1.
Variant type: single nucleotide variant.
Coding change: c.1443C>T on transcript NM_014804.3 (MANE Select); coding-DNA position 1443, C replaced by T.
Protein change: p.Asp481=; no amino-acid change (aspartic acid 481 retained).
Molecular consequence: synonymous variant.
Genome position (GRCh38, 1-based): chr17:6,612,021, G>A on the plus strand (C>T on the coding strand, the complement: KIAA0753 is on the minus strand). VCF-style: chr17-6612021-G-A. GRCh37 (hg19) VCF-style: chr17-6515341-G-A.
Other names: c.546C>T, p.Asp182= (NM_001351225.2).
Identifiers: ClinVar variation 727131 (VCV000727131.34), dbSNP rs199557242, ClinGen allele CA8330482.
Genomic context (GRCh38, chr17:6,612,021, plus strand): 5'-CACATTCTCAGTCACAGGCTTCTTTTTCCCTGCTTTTGTTTTTGCCACGGCTAACACCTC[G>A]TCTTTGAAGCTTGCACTTTGGTCTAGAATAAATGGTCCTTCTTCCAGAACTATATCCGCA-3'
Protein context (NP_055619.2, residues 471-491): FILDQSASFK[Asp481=]EVLAVAKTKA